The following is an entry in ClinVar:

ClinVar aggregate classification (germline): Benign (1 of 4 stars; one submission).

Conditions:
COG6-congenital disorder of glycosylation. Also called: CONGENITAL DISORDER OF GLYCOSYLATION, TYPE IIl; CDG IIl; COG6-ongenital disorder of glycosylation; COG6-CGD. Identifiers: Orphanet 464443, MedGen C3553230, MONDO:0013810, OMIM 614576.

Allele frequency attached by ClinVar (database versions not stated): ExAC 0.00209; TOPMed 0.00472; 1000 Genomes Project 0.00519; 1000 Genomes Project 30x 0.00531.
gnomAD v4.1: 1,549 of 1,143,656 alleles (0.14%); highest among the groups gnomAD compares: African/African-American, 1.1%; 6 homozygotes.

Submission:

Illumina Laboratory Services, Illumina
Classification: Benign for COG6-congenital disorder of glycosylation. Last evaluated: 2018-01-13. Review status: criteria provided, single submitter. Criteria: ICSL Variant Classification Criteria 13 December 2019. Collection method: clinical testing. Allele origin: germline.
Comment: This variant was observed in the ICSL laboratory as part of a predisposition screen in an ostensibly healthy population. It had not been previously curated by ICSL or reported in the Human Gene Mutation Database (HGMD: prior to June 1st, 2018), and was therefore a candidate for classification through an automated scoring system. Utilizing variant allele frequency, disease prevalence and penetrance estimates, and inheritance mode, an automated score was calculated to assess if this variant is too frequent to cause the disease. Based on the score and internal cut-off values, a variant classified as benign is not then subjected to further curation. The score for this variant resulted in a classification of benign for this disease.

NM_020751.3(COG6):c.*1093G>T

Gene: COG6 (component of oligomeric golgi complex 6; plus strand). Cytogenetic location: 13q14.11.
Variant type: single nucleotide variant.
Coding change: c.*1093G>T on transcript NM_020751.3 (MANE Select); 1093 bases downstream of the stop codon, G replaced by T.
Molecular consequence: 3 prime UTR variant. On other transcripts: non-coding transcript variant (1), intron variant (1).
Genome position (GRCh38, 1-based): chr13:39,752,186, G>T. VCF-style: chr13-39752186-G-T. GRCh37 (hg19) VCF-style: chr13-40326323-G-T.
Other names: c.1826+24638G>T (NM_001145079.2).
Identifiers: ClinVar variation 882010 (VCV000882010.4), dbSNP rs114184435, ClinGen allele CA6958924.